The following is an entry in ClinVar:

NM_006939.4(SOS2):c.3845A>G (p.Asn1282Ser)

Gene: SOS2 (SOS Ras/Rho guanine nucleotide exchange factor 2; minus strand). Cytogenetic location: 14q21.3.
Variant type: single nucleotide variant.
Coding change: c.3845A>G on transcript NM_006939.4 (MANE Select); coding-DNA position 3845, A replaced by G.
Protein change: p.Asn1282Ser; replaces asparagine 1282 with serine.
Molecular consequence: missense variant.
Genome position (GRCh38, 1-based): chr14:50,118,498, T>C on the plus strand (A>G on the coding strand, the complement: SOS2 is on the minus strand). VCF-style: chr14-50118498-T-C. GRCh37 (hg19) VCF-style: chr14-50585216-T-C.
Other names: short protein forms N1282S.
Identifiers: ClinVar variation 948367 (VCV000948367.9), dbSNP rs376158218, ClinGen allele CA260703918.

ClinVar aggregate classification (germline): Uncertain significance (1 of 4 stars; one submission).

Conditions:
Noonan syndrome 9 (NS9). Identifiers: Orphanet 648, MedGen C4225282, MONDO:0014691, OMIM 616559.

Allele frequency attached by ClinVar (database versions not stated): gnomAD 0.00001; TOPMed 0.00001; ESP Exome Variant Server 0.00008.
gnomAD v4.1: 2 of 1,613,990 alleles (0.00012%); highest among the groups gnomAD compares: African/African-American, 0.0013%; no homozygotes.

Submission:

Labcorp Genetics (formerly Invitae), Labcorp
Classification: Uncertain significance for Noonan syndrome 9. Last evaluated: 2024-06-12. Review status: criteria provided, single submitter. Criteria: Invitae Variant Classification Sherloc (09022015). Collection method: clinical testing. Allele origin: germline.
Comment: This sequence change replaces asparagine, which is neutral and polar, with serine, which is neutral and polar, at codon 1282 of the SOS2 protein (p.Asn1282Ser). This variant is not present in population databases (gnomAD no frequency). This variant has not been reported in the literature in individuals affected with SOS2-related conditions. ClinVar contains an entry for this variant (Variation ID: 948367). Advanced modeling of protein sequence and biophysical properties (such as structural, functional, and spatial information, amino acid conservation, physicochemical variation, residue mobility, and thermodynamic stability) performed at Invitae indicates that this missense variant is not expected to disrupt SOS2 protein function with a negative predictive value of 95%. In summary, the available evidence is currently insufficient to determine the role of this variant in disease. Therefore, it has been classified as a Variant of Uncertain Significance.